The following is an entry in ClinVar:

NM_000264.5(PTCH1):c.2708C>G (p.Thr903Ser)

Gene: PTCH1 (patched 1; minus strand). Cytogenetic location: 9q22.32.
Variant type: single nucleotide variant.
Coding change: c.2708C>G on transcript NM_000264.5 (MANE Select); coding-DNA position 2708, C replaced by G.
Protein change: p.Thr903Ser; replaces threonine 903 with serine.
Molecular consequence: missense variant. On other transcripts: non-coding transcript variant (1).
Genome position (GRCh38, 1-based): chr9:95,459,779, G>C on the plus strand (C>G on the coding strand, the complement: PTCH1 is on the minus strand). VCF-style: chr9-95459779-G-C. GRCh37 (hg19) VCF-style: chr9-98222061-G-C.
Other names: c.2510C>G, p.Thr837Ser (NM_001083602.3); c.2705C>G, p.Thr902Ser (NM_001083603.3); c.2255C>G, p.Thr752Ser (NM_001083604.3, NM_001083605.3, NM_001083606.3 and 1 more transcripts); c.2552C>G, p.Thr851Ser (NM_001354918.2); short protein forms T837S, T903S, T752S, T851S, T902S.
Identifiers: ClinVar variation 582854 (VCV000582854.12), dbSNP rs1564021882, ClinGen allele CA374113252.

ClinVar aggregate classification (germline): Uncertain significance. Review status: criteria provided, multiple submitters, no conflicts (2 of 4 stars). 2 submissions from 2 submitters: Uncertain significance (2). Last evaluated 2023-09-20.

Conditions:
Gorlin syndrome. Also called: Basal cell nevus syndrome; Nevoid Basal Cell Carcinoma Syndrome. Identifiers: Orphanet 377, MedGen C0004779, MONDO:0007187.
Hereditary cancer-predisposing syndrome. Also called: Neoplastic Syndromes, Hereditary; Hereditary Cancer Syndrome; Tumor predisposition; Hereditary neoplastic syndrome. Identifiers: Orphanet 140162, MedGen C0027672, MeSH D009386, MONDO:0015356.

Allele frequency attached by ClinVar (database versions not stated): gnomAD exomes below 0.00001.
gnomAD v4.1: 1 of 1,614,132 alleles (0.000062%); highest among the groups gnomAD compares: Non-Finnish European, 0.000085%; no homozygotes.

Submissions (2):

Ambry Genetics
Classification: Uncertain significance for Hereditary cancer-predisposing syndrome. Last evaluated: 2023-09-20. Review status: criteria provided, single submitter. Criteria: Ambry Variant Classification Scheme 2023. Collection method: clinical testing. Allele origin: germline.
Comment: The p.T903S variant (also known as c.2708C>G), located in coding exon 17 of the PTCH1 gene, results from a C to G substitution at nucleotide position 2708. The threonine at codon 903 is replaced by serine, an amino acid with similar properties. This amino acid position is conserved. In addition, the in silico prediction for this alteration is inconclusive. Since supporting evidence is limited at this time, the clinical significance of this alteration remains unclear.

Labcorp Genetics (formerly Invitae), Labcorp
Classification: Uncertain significance for Gorlin syndrome. Last evaluated: 2019-06-13. Review status: criteria provided, single submitter. Criteria: Invitae Variant Classification Sherloc (09022015). Collection method: clinical testing. Allele origin: germline.
Comment: In summary, the available evidence is currently insufficient to determine the role of this variant in disease. Therefore, it has been classified as a Variant of Uncertain Significance. Algorithms developed to predict the effect of missense changes on protein structure and function (SIFT, PolyPhen-2, Align-GVGD) all suggest that this variant is likely to be tolerated, but these predictions have not been confirmed by published functional studies and their clinical significance is uncertain. This variant has not been reported in the literature in individuals with PTCH1-related disease. This variant is not present in population databases (ExAC no frequency). This sequence change replaces threonine with serine at codon 903 of the PTCH1 protein (p.Thr903Ser). The threonine residue is moderately conserved and there is a small physicochemical difference between threonine and serine.